The following is an entry in ClinVar:

NM_001231.5(CASQ1):c.991C>T (p.Pro331Ser)

Gene: CASQ1 (calsequestrin 1; plus strand). Cytogenetic location: 1q23.2.
Variant type: single nucleotide variant.
Coding change: c.991C>T on transcript NM_001231.5 (MANE Select); coding-DNA position 991, C replaced by T.
Protein change: p.Pro331Ser; replaces proline 331 with serine.
Molecular consequence: missense variant.
Genome position (GRCh38, 1-based): chr1:160,199,857, C>T. VCF-style: chr1-160199857-C-T. GRCh37 (hg19) VCF-style: chr1-160169647-C-T.
Other names: short protein forms P331S.
Identifiers: ClinVar variation 2695721 (VCV002695721.3), dbSNP rs2525065294, ClinGen allele CA343262504.

ClinVar aggregate classification (germline): Uncertain significance (1 of 4 stars; one submission).

Submission:

Labcorp Genetics (formerly Invitae), Labcorp
Classification: Uncertain significance. Last evaluated: 2024-11-04. Review status: criteria provided, single submitter. Criteria: Invitae Variant Classification Sherloc (09022015). Collection method: clinical testing. Allele origin: germline.
Comment: This sequence change replaces proline, which is neutral and non-polar, with serine, which is neutral and polar, at codon 331 of the CASQ1 protein (p.Pro331Ser). This variant is not present in population databases (gnomAD no frequency). This variant has not been reported in the literature in individuals affected with CASQ1-related conditions. ClinVar contains an entry for this variant (Variation ID: 2695721). Invitae Evidence Modeling of protein sequence and biophysical properties (such as structural, functional, and spatial information, amino acid conservation, physicochemical variation, residue mobility, and thermodynamic stability) indicates that this missense variant is not expected to disrupt CASQ1 protein function with a negative predictive value of 80%. In summary, the available evidence is currently insufficient to determine the role of this variant in disease. Therefore, it has been classified as a Variant of Uncertain Significance.